The following is an entry in ClinVar:

NM_003072.5(SMARCA4):c.179G>T (p.Gly60Val)

Gene: SMARCA4 (SWI/SNF related BAF chromatin remodeling complex subunit ATPase 4; plus strand). Cytogenetic location: 19p13.2.
Variant type: single nucleotide variant.
Coding change: c.179G>T on transcript NM_003072.5 (MANE Select); coding-DNA position 179, G replaced by T.
Protein change: p.Gly60Val; replaces glycine 60 with valine.
Molecular consequence: missense variant. On other transcripts: non-coding transcript variant (1).
Genome position (GRCh38, 1-based): chr19:10,984,330, G>T. VCF-style: chr19-10984330-G-T. GRCh37 (hg19) VCF-style: chr19-11095006-G-T.
Other names: c.179G>T, p.Gly60Val (NM_001128844.3, NM_001128845.2, NM_001128846.2 and 6 more transcripts); short protein forms G60V.
Identifiers: ClinVar variation 1721074 (VCV001721074.10), dbSNP rs1599930053, ClinGen allele CA404054571.

ClinVar aggregate classification (germline): Uncertain significance. Review status: criteria provided, multiple submitters, no conflicts (2 of 4 stars). 3 submissions from 3 submitters: Uncertain significance (3). Last evaluated 2025-11-26.

Conditions:
Hereditary cancer-predisposing syndrome. Also called: Hereditary neoplastic syndrome; Neoplastic Syndromes, Hereditary; Hereditary Cancer Syndrome; Tumor predisposition. Identifiers: Orphanet 140162, MedGen C0027672, MeSH D009386, MONDO:0015356.
Rhabdoid tumor predisposition syndrome 2 (RTPS2). Identifiers: Orphanet 231108, Orphanet 69077, MedGen C2750074, MONDO:0013224, OMIM 613325.

Allele frequency attached by ClinVar (database versions not stated): TOPMed below 0.00001.

Submissions (3):

Ambry Genetics
Classification: Uncertain significance for Hereditary cancer-predisposing syndrome. Last evaluated: 2025-11-26. Review status: criteria provided, single submitter. Criteria: Ambry Variant Classification Scheme 2023. Collection method: clinical testing. Allele origin: germline.
Comment: The p.G60V variant (also known as c.179G>T), located in coding exon 1 of the SMARCA4 gene, results from a G to T substitution at nucleotide position 179. The glycine at codon 60 is replaced by valine, an amino acid with dissimilar properties. This amino acid position is highly conserved in available vertebrate species. In addition, the in silico prediction for this alteration is inconclusive. Missense and in-frame variants in SMARCA4 are known to cause neurodevelopmental disorders; however, such associations with rhabdoid tumor predisposition syndrome including small cell carcinoma of the ovary-hypercalcemic type (SCCOHT) are exceedingly rare (Kosho T et al. Am J Med Genet C Semin Med Genet. 2014 Sep;166C(3):262-75; Jelinic P et al. Nat Genet. 2014 May;46(5):424-6). Since supporting evidence is limited at this time, the clinical significance of this alteration remains unclear.

Labcorp Genetics (formerly Invitae), Labcorp
Classification: Uncertain significance for Rhabdoid tumor predisposition syndrome 2. Last evaluated: 2024-03-25. Review status: criteria provided, single submitter. Criteria: Invitae Variant Classification Sherloc (09022015). Collection method: clinical testing. Allele origin: germline.
Comment: This sequence change replaces glycine, which is neutral and non-polar, with valine, which is neutral and non-polar, at codon 60 of the SMARCA4 protein (p.Gly60Val). This variant is not present in population databases (gnomAD no frequency). This variant has not been reported in the literature in individuals affected with SMARCA4-related conditions. ClinVar contains an entry for this variant (Variation ID: 1721074). Advanced modeling of protein sequence and biophysical properties (such as structural, functional, and spatial information, amino acid conservation, physicochemical variation, residue mobility, and thermodynamic stability) has been performed at Invitae for this missense variant, however the output from this modeling did not meet the statistical confidence thresholds required to predict the impact of this variant on SMARCA4 protein function. In summary, the available evidence is currently insufficient to determine the role of this variant in disease. Therefore, it has been classified as a Variant of Uncertain Significance.

Baylor Genetics
Classification: Uncertain significance for Rhabdoid tumor predisposition syndrome 2. Last evaluated: 2023-12-10. Review status: criteria provided, single submitter. Criteria: ACMG Guidelines, 2015. Collection method: clinical testing. Allele origin: unknown.